The following is an entry in ClinVar:

NM_014317.5(PDSS1):c.106G>A (p.Ala36Thr)

Gene: PDSS1 (decaprenyl diphosphate synthase subunit 1; plus strand). Cytogenetic location: 10p12.1.
Variant type: single nucleotide variant.
Coding change: c.106G>A on transcript NM_014317.5 (MANE Select); coding-DNA position 106, G replaced by A.
Protein change: p.Ala36Thr; replaces alanine 36 with threonine.
Molecular consequence: missense variant. On other transcripts: 5 prime UTR variant (1).
Genome position (GRCh38, 1-based): chr10:26,697,817, G>A. VCF-style: chr10-26697817-G-A. GRCh37 (hg19) VCF-style: chr10-26986746-G-A.
Other names: c.106G>A, p.Ala36Thr (NM_001321978.2); c.-488G>A (NM_001321979.2); short protein forms A36T.
Identifiers: ClinVar variation 4528265 (VCV004528265.1).
Genomic context (GRCh38, chr10:26,697,817, plus strand): 5'-CCGGCGGCGCGGAGCCCCGGGCCCGGCTCCCCCGGCCGTGCGGGACCGTTGGGGCCGAGC[G>A]CCGCTGCCGAAGTCCGCGCGCAGGTGAGGTTGGGAGGCGCGCGCCCGGCGGGGCTCAGAG-3'
Protein context (NP_055132.2, residues 26-46): PGRAGPLGPS[Ala36Thr]AAEVRAQVHR

ClinVar aggregate classification (germline): Uncertain significance (1 of 4 stars; one submission).

gnomAD v4.1: 16 of 1,339,456 alleles (0.0012%); highest among the groups gnomAD compares: East Asian, 0.045%; no homozygotes.

Submission:

GeneDx
Classification: Uncertain significance. Last evaluated: 2025-04-30. Review status: criteria provided, single submitter. Criteria: GeneDx Variant Classification Process June 2021. Collection method: clinical testing. Allele origin: germline. Affected: yes.
Comment: Not observed at significant frequency in large population cohorts (gnomAD); In silico analysis indicates that this missense variant does not alter protein structure/function; Has not been previously published as pathogenic or benign to our knowledge